The following is an entry in ClinVar:

ClinVar aggregate classification (germline): Uncertain significance (1 of 4 stars; one submission).

Conditions:
Hereditary cancer-predisposing syndrome. Also called: Neoplastic Syndromes, Hereditary; Tumor predisposition; Hereditary Cancer Syndrome; Hereditary neoplastic syndrome. Identifiers: Orphanet 140162, MedGen C0027672, MeSH D009386, MONDO:0015356.

Submission:

Ambry Genetics
Classification: Uncertain significance for Hereditary cancer-predisposing syndrome. Last evaluated: 2026-04-23. Review status: criteria provided, single submitter. Criteria: Ambry Variant Classification Scheme 2023. Collection method: clinical testing. Allele origin: germline.
Comment: The p.L34P variant (also known as c.101T>C), located in coding exon 1 of the MEN1 gene, results from a T to C substitution at nucleotide position 101. The leucine at codon 34 is replaced by proline, an amino acid with similar properties. This amino acid position is conserved. In addition, this alteration is predicted to be deleterious by in silico analysis. Based on the available evidence, the clinical significance of this variant remains unclear.

NM_001370259.2(MEN1):c.101T>C (p.Leu34Pro)

Gene: MEN1 (menin 1; minus strand). Cytogenetic location: 11q13.1.
Variant type: single nucleotide variant.
Coding change: c.101T>C on transcript NM_001370259.2 (MANE Select); coding-DNA position 101, T replaced by C.
Protein change: p.Leu34Pro; replaces leucine 34 with proline.
Molecular consequence: missense variant. On other transcripts: non-coding transcript variant (4).
Genome position (GRCh38, 1-based): chr11:64,810,009, A>G on the plus strand (T>C on the coding strand, the complement: MEN1 is on the minus strand). VCF-style: chr11-64810009-A-G. GRCh37 (hg19) VCF-style: chr11-64577481-A-G.
Other names: c.101T>C, p.Leu34Pro (NM_000244.4, NM_001370251.2, NM_001370260.2 and 20 more transcripts); short protein forms L34P.
Identifiers: ClinVar variation 4646378 (VCV004646378.2).